The following is an entry in ClinVar:

ClinVar aggregate classification (germline): Uncertain significance. Review status: criteria provided, multiple submitters, no conflicts (2 of 4 stars). 2 submissions from 2 submitters: Uncertain significance (2). Last evaluated 2025-08-09.

Conditions:
Hereditary cancer-predisposing syndrome. Also called: Tumor predisposition; Hereditary Cancer Syndrome; Neoplastic Syndromes, Hereditary; Hereditary neoplastic syndrome. Identifiers: Orphanet 140162, MedGen C0027672, MeSH D009386, MONDO:0015356.
Familial cancer of breast. Also called: Hereditary breast cancer; BREAST CANCER, FAMILIAL; hereditary breast carcinoma. Identifiers: Orphanet 227535, MedGen C0346153, MONDO:0016419, OMIM 114480. Disease mechanism: loss of function.

Submissions (2):

Labcorp Genetics (formerly Invitae), Labcorp
Classification: Uncertain significance for Familial cancer of breast. Last evaluated: 2025-08-09. Review status: criteria provided, single submitter. Criteria: Invitae Variant Classification Sherloc (09022015). Collection method: clinical testing. Allele origin: germline.
Comment: This sequence change replaces leucine, which is neutral and non-polar, with isoleucine, which is neutral and non-polar, at codon 855 of the PALB2 protein (p.Leu855Ile). This variant is not present in population databases (gnomAD no frequency). This variant has not been reported in the literature in individuals affected with PALB2-related conditions. ClinVar contains an entry for this variant (Variation ID: 1793138). Invitae Evidence Modeling of protein sequence and biophysical properties (such as structural, functional, and spatial information, amino acid conservation, physicochemical variation, residue mobility, and thermodynamic stability) indicates that this missense variant is expected to disrupt PALB2 protein function with a positive predictive value of 80%. In summary, the available evidence is currently insufficient to determine the role of this variant in disease. Therefore, it has been classified as a Variant of Uncertain Significance.

Ambry Genetics
Classification: Uncertain significance for Hereditary cancer-predisposing syndrome. Last evaluated: 2024-12-08. Review status: criteria provided, single submitter. Criteria: Ambry Variant Classification Scheme 2023. Collection method: clinical testing. Allele origin: germline.
Comment: The p.L855I variant (also known as c.2563C>A), located in coding exon 6 of the PALB2 gene, results from a C to A substitution at nucleotide position 2563. The leucine at codon 855 is replaced by isoleucine, an amino acid with highly similar properties. This amino acid position is conserved. In addition, this alteration is predicted to be tolerated by in silico analysis. Since supporting evidence is limited at this time, the clinical significance of this alteration remains unclear.

NM_024675.4(PALB2):c.2563C>A (p.Leu855Ile)

Gene: PALB2 (partner and localizer of BRCA2; minus strand). Cytogenetic location: 16p12.2.
Variant type: single nucleotide variant.
Coding change: c.2563C>A on transcript NM_024675.4 (MANE Select); coding-DNA position 2563, C replaced by A.
Protein change: p.Leu855Ile; replaces leucine 855 with isoleucine.
Molecular consequence: missense variant.
Genome position (GRCh38, 1-based): chr16:23,629,227, G>T on the plus strand (C>A on the coding strand, the complement: PALB2 is on the minus strand). VCF-style: chr16-23629227-G-T. GRCh37 (hg19) VCF-style: chr16-23640548-G-T.
Other names: c.2503C>A, p.Leu835Ile (NM_001407296.1); c.2563C>A, p.Leu855Ile (NM_001407298.1, NM_001407299.1, NM_001407300.1 and 2 more transcripts); c.1678C>A, p.Leu560Ile (NM_001407304.1, NM_001407305.1, NM_001407306.1 and 5 more transcripts); c.775C>A, p.Leu259Ile (NM_001407312.1, NM_001407313.1); c.97C>A, p.Leu33Ile (NM_001407314.1); short protein forms L259I, L33I, L560I, L855I, L835I.
Identifiers: ClinVar variation 1793138 (VCV001793138.9), dbSNP rs1555460212, ClinGen allele CA395123729.
Genomic context (GRCh38, chr16:23,629,227, plus strand): 5'-TAAGACACGAGACACTGGAAGAGAATATTCTTCTGACCTTTAACTCTGAAACCAATTGTA[G>T]GTTGCCTGGGTTTATGCTATCAGAAGCAGGAAGCTCTGCTGTTTCAGTCTGTGAAAACAA-3'
Protein context (NP_078951.2, residues 845-865): PASDSINPGN[Leu855Ile]QLVSELKNPS